The following is an entry in ClinVar:

NM_003664.5(AP3B1):c.2893T>C (p.Cys965Arg)

Gene: AP3B1 (adaptor related protein complex 3 subunit beta 1; minus strand). Cytogenetic location: 5q14.1.
Variant type: single nucleotide variant.
Coding change: c.2893T>C on transcript NM_003664.5 (MANE Select); coding-DNA position 2893, T replaced by C.
Protein change: p.Cys965Arg; replaces cysteine 965 with arginine.
Molecular consequence: missense variant.
Genome position (GRCh38, 1-based): chr5:78,034,362, A>G on the plus strand (T>C on the coding strand, the complement: AP3B1 is on the minus strand). VCF-style: chr5-78034362-A-G. GRCh37 (hg19) VCF-style: chr5-77330186-A-G.
Other names: c.2746T>C, p.Cys916Arg (NM_001271769.2); short protein forms C916R, C965R.
Identifiers: ClinVar variation 1490295 (VCV001490295.5), dbSNP rs2112091461, ClinGen allele CA360333825.

ClinVar aggregate classification (germline): Uncertain significance (1 of 4 stars; one submission).

Conditions:
Hermansky-Pudlak syndrome 2 (HPS2). Also called: Platelet defects and oculocutaneous albinism. Identifiers: Orphanet 183678, Orphanet 79430, MedGen C1842362, MONDO:0011997, OMIM 608233.

Submission:

Labcorp Genetics (formerly Invitae), Labcorp
Classification: Uncertain significance for Hermansky-Pudlak syndrome 2. Last evaluated: 2023-07-10. Review status: criteria provided, single submitter. Criteria: Invitae Variant Classification Sherloc (09022015). Collection method: clinical testing. Allele origin: germline.
Comment: In summary, the available evidence is currently insufficient to determine the role of this variant in disease. Therefore, it has been classified as a Variant of Uncertain Significance. This sequence change replaces cysteine, which is neutral and slightly polar, with arginine, which is basic and polar, at codon 965 of the AP3B1 protein (p.Cys965Arg). This variant is not present in population databases (gnomAD no frequency). This variant has not been reported in the literature in individuals affected with AP3B1-related conditions. ClinVar contains an entry for this variant (Variation ID: 1490295). An algorithm developed to predict the effect of missense changes on protein structure and function (PolyPhen-2) suggests that this variant¬†is likely to be tolerated.